The following is an entry in ClinVar:

ClinVar aggregate classification (germline): Uncertain significance (1 of 4 stars; one submission).

Conditions:
GRN-related frontotemporal lobar degeneration with Tdp43 inclusions (FTD2). Also called: GRN Frontotemporal Dementia; FRONTOTEMPORAL DEMENTIA WITH TDP43 INCLUSIONS, GRN-RELATED; DEMENTIA, HEREDITARY DYSPHASIC DISINHIBITION; FRONTOTEMPORAL LOBAR DEGENERATION WITH UBIQUITIN-POSITIVE INCLUSIONS; FTLD-TDP, GRN-RELATED. Identifiers: Orphanet 100070, Orphanet 282, MedGen C1843792, MONDO:0011842, OMIM 607485. Disease mechanism: loss of function.
Neuronal ceroid lipofuscinosis 11. Also called: GRN-Related Neuronal Ceroid-Lipofuscinosis. Identifiers: Orphanet 314629, Orphanet 79262, MedGen C3539123, MONDO:0013866, OMIM 614706.

Allele frequency attached by ClinVar (database versions not stated): ExAC 0.00001; gnomAD 0.00001; gnomAD exomes 0.00001; TOPMed 0.00002; ESP Exome Variant Server 0.00008.
gnomAD v4.1: 11 of 1,613,930 alleles (0.00068%); highest among the groups gnomAD compares: South Asian, 0.0022%; no homozygotes.

Submission:

Labcorp Genetics (formerly Invitae), Labcorp
Classification: Uncertain significance for Neuronal ceroid lipofuscinosis 11; GRN-related frontotemporal lobar degeneration with Tdp43 inclusions. Last evaluated: 2023-03-26. Review status: criteria provided, single submitter. Criteria: Invitae Variant Classification Sherloc (09022015). Collection method: clinical testing. Allele origin: germline.
Comment: In summary, the available evidence is currently insufficient to determine the role of this variant in disease. Therefore, it has been classified as a Variant of Uncertain Significance. Advanced modeling of protein sequence and biophysical properties (such as structural, functional, and spatial information, amino acid conservation, physicochemical variation, residue mobility, and thermodynamic stability) performed at Invitae indicates that this missense variant is not expected to disrupt GRN protein function. This variant has not been reported in the literature in individuals affected with GRN-related conditions. This variant is present in population databases (rs372798410, gnomAD 0.007%). This sequence change replaces threonine, which is neutral and polar, with methionine, which is neutral and non-polar, at codon 327 of the GRN protein (p.Thr327Met).

NM_002087.4(GRN):c.980C>T (p.Thr327Met)

Gene: GRN (granulin precursor; plus strand). Cytogenetic location: 17q21.31.
Variant type: single nucleotide variant.
Coding change: c.980C>T on transcript NM_002087.4 (MANE Select); coding-DNA position 980, C replaced by T.
Protein change: p.Thr327Met; replaces threonine 327 with methionine.
Molecular consequence: missense variant.
Genome position (GRCh38, 1-based): chr17:44,351,596, C>T. VCF-style: chr17-44351596-C-T. GRCh37 (hg19) VCF-style: chr17-42428964-C-T.
Other names: short protein forms T327M.
Identifiers: ClinVar variation 2921658 (VCV002921658.3), dbSNP rs372798410, ClinGen allele CA8602080.